The following is an entry in ClinVar:

NM_004958.4(MTOR):c.395G>A (p.Arg132His)

Gene: MTOR (mechanistic target of rapamycin kinase; minus strand). Cytogenetic location: 1p36.22.
Variant type: single nucleotide variant.
Coding change: c.395G>A on transcript NM_004958.4 (MANE Select); coding-DNA position 395, G replaced by A.
Protein change: p.Arg132His; replaces arginine 132 with histidine.
Molecular consequence: missense variant.
Genome position (GRCh38, 1-based): chr1:11,257,042, C>T on the plus strand (G>A on the coding strand, the complement: MTOR is on the minus strand). VCF-style: chr1-11257042-C-T. GRCh37 (hg19) VCF-style: chr1-11317099-C-T.
Other names: short protein forms R132H.
Identifiers: ClinVar variation 699135 (VCV000699135.48), dbSNP rs201093943, ClinGen allele CA590954.

ClinVar aggregate classification (germline): Conflicting classifications of pathogenicity. Review status: criteria provided, conflicting classifications (1 of 4 stars). 3 submissions from 3 submitters: Uncertain significance (1); Benign (1); Likely benign (1). Last evaluated 2026-08-01.

Conditions:
Inborn genetic diseases. Identifiers: MedGen C0950123, MeSH D030342.

Allele frequency attached by ClinVar (database versions not stated): gnomAD exomes 0.00001 and 0.00010; ExAC 0.00003; gnomAD 0.00005; TOPMed 0.00006; ESP Exome Variant Server 0.00015.
gnomAD v4.1: 151 of 1,614,038 alleles (0.0094%); highest among the groups gnomAD compares: Non-Finnish European, 0.012%; no homozygotes.

Submissions (3):

CeGaT Center for Human Genetics Tuebingen
Classification: Likely benign. Last evaluated: 2026-08-01. Review status: criteria provided, single submitter. Criteria: CeGaT Center For Human Genetics Tuebingen Variant Classification Criteria Version 2. Collection method: clinical testing. Allele origin: germline. Affected: yes. Observed: 2 variant alleles.
Comment: MTOR: BP4

Labcorp Genetics (formerly Invitae), Labcorp
Classification: Benign. Last evaluated: 2026-01-11. Review status: criteria provided, single submitter. Criteria: Invitae Variant Classification Sherloc (09022015). Collection method: clinical testing. Allele origin: germline.

Ambry Genetics
Classification: Uncertain significance for Inborn genetic diseases. Last evaluated: 2022-06-02. Review status: criteria provided, single submitter. Criteria: Ambry Variant Classification Scheme 2023. Collection method: clinical testing. Allele origin: germline.